The following is an entry in ClinVar:

ClinVar aggregate classification (germline): Uncertain significance (1 of 4 stars; one submission).

Allele frequency attached by ClinVar (database versions not stated): gnomAD exomes below 0.00001 and 0.00001; TOPMed below 0.00001.
gnomAD v4.1: 12 of 1,613,954 alleles (0.00074%); highest among the groups gnomAD compares: South Asian, 0.0022%; no homozygotes.

Submission:

Labcorp Genetics (formerly Invitae), Labcorp
Classification: Uncertain significance. Last evaluated: 2024-03-08. Review status: criteria provided, single submitter. Criteria: Invitae Variant Classification Sherloc (09022015). Collection method: clinical testing. Allele origin: germline.
Comment: This sequence change replaces valine, which is neutral and non-polar, with isoleucine, which is neutral and non-polar, at codon 255 of the NOTCH3 protein (p.Val255Ile). This variant is present in population databases (no rsID available, gnomAD 0.003%). This variant has not been reported in the literature in individuals affected with NOTCH3-related conditions. ClinVar contains an entry for this variant (Variation ID: 1410988). Advanced modeling of protein sequence and biophysical properties (such as structural, functional, and spatial information, amino acid conservation, physicochemical variation, residue mobility, and thermodynamic stability) performed at Invitae indicates that this missense variant is not expected to disrupt NOTCH3 protein function with a negative predictive value of 95%. In summary, the available evidence is currently insufficient to determine the role of this variant in disease. Therefore, it has been classified as a Variant of Uncertain Significance.

NM_000435.3(NOTCH3):c.763G>A (p.Val255Ile)

Gene: NOTCH3 (notch receptor 3; minus strand). Cytogenetic location: 19p13.12.
Variant type: single nucleotide variant.
Coding change: c.763G>A on transcript NM_000435.3 (MANE Select); coding-DNA position 763, G replaced by A.
Protein change: p.Val255Ile; replaces valine 255 with isoleucine.
Molecular consequence: missense variant.
Genome position (GRCh38, 1-based): chr19:15,191,784, C>T on the plus strand (G>A on the coding strand, the complement: NOTCH3 is on the minus strand). VCF-style: chr19-15191784-C-T. GRCh37 (hg19) VCF-style: chr19-15302595-C-T.
Other names: short protein forms V255I.
Identifiers: ClinVar variation 1410988 (VCV001410988.7), dbSNP rs1160655218, ClinGen allele CA404532437.